The following is an entry in ClinVar:

NM_177438.3(DICER1):c.547_557del (p.Asp183fs)

Gene: DICER1 (dicer 1, ribonuclease III; minus strand). Cytogenetic location: 14q32.13.
Variant type: Deletion.
Coding change: c.547_557del on transcript NM_177438.3 (MANE Select); coding-DNA positions 547 to 557, 11 bases deleted (GACCACCCCTA).
Protein change: p.Asp183fs; shifts the reading frame from aspartic acid 183.
Molecular consequence: frameshift variant. On other transcripts: 5 prime UTR variant (1), non-coding transcript variant (6), splice acceptor variant (1).
Genome position (GRCh38, 1-based): chr14:95,130,074-95,130,084, TAGGGGTGGTC deleted on the plus strand (GACCACCCCTA on the coding strand, the reverse complement: DICER1 is on the minus strand); deleting any 11 consecutive bases within chr14:95,130,074-95,130,088 gives the same sequence; the c. name uses the placement nearest the transcript's 3' end. VCF-style (leftmost placement, unchanged base first): chr14-95130073-ATAGGGGTGGTC-A. GRCh37 (hg19) VCF-style: chr14-95596410-ATAGGGGTGGTC-A.
Other names: c.547_557del, p.Asp183fs (NM_001195573.1, NM_001271282.3, NM_001291628.2 and 14 more transcripts); c.543_553delCCTAGACCACC, p.Asp183Serfs (NM_001395681.1); c.265_275del, p.Asp89fs (NM_001395686.1); c.142_152del, p.Asp48fs (NM_001395687.1, NM_001395688.1, NM_001395689.1 and 3 more transcripts); c.-1022_-1012del (NM_001395697.1); c.-20-1_-11del (NM_001395691.1); short protein forms D89fs, D183fs, D48fs.
Identifiers: ClinVar variation 2835019 (VCV002835019.3), dbSNP rs2543300182, ClinGen allele CA2739270826.

ClinVar aggregate classification (germline): Pathogenic (1 of 4 stars; one submission).

Conditions:
DICER1-related tumor predisposition. Also called: DICER1-related pleuropulmonary blastoma cancer predisposition syndrome; DICER1 syndrome. Identifiers: Orphanet 284343, MedGen C3839822, MONDO:0100216.

Submission:

Labcorp Genetics (formerly Invitae), Labcorp
Classification: Pathogenic for DICER1-related tumor predisposition. Last evaluated: 2023-03-02. Review status: criteria provided, single submitter. Criteria: Invitae Variant Classification Sherloc (09022015). Collection method: clinical testing. Allele origin: germline.
Comment: For these reasons, this variant has been classified as Pathogenic. This variant has not been reported in the literature in individuals affected with DICER1-related conditions. This variant is not present in population databases (gnomAD no frequency). This sequence change creates a premature translational stop signal (p.Asp183Serfs*8) in the DICER1 gene. It is expected to result in an absent or disrupted protein product. Loss-of-function variants in DICER1 are known to be pathogenic (PMID: 19556464, 21266384).

Literature cited by the submitters: PubMed 19556464; PubMed 21266384.